The following is an entry in ClinVar:

NM_017617.5(NOTCH1):c.140+20del

Gene: NOTCH1 (notch receptor 1; minus strand). Cytogenetic location: 9q34.3.
Variant type: Deletion.
Coding change: c.140+20del on transcript NM_017617.5 (MANE Select); 20 bases into the intron after coding-DNA position 140, one base deleted (G; older notation c.140+20delG).
Molecular consequence: intron variant.
Genome position (GRCh38, 1-based): chr9:136,544,004, C deleted on the plus strand (G on the coding strand, the reverse complement: NOTCH1 is on the minus strand); the first of 3 consecutive C bases (chr9:136,544,004-136,544,006); deleting any one gives the same sequence. VCF-style (leftmost placement, unchanged base first): chr9-136544003-TC-T. GRCh37 (hg19) VCF-style: chr9-139438455-TC-T.
Other names: c.140+20delG (NM_017617.3).
Identifiers: ClinVar variation 511217 (VCV000511217.4), dbSNP rs751297042, ClinGen allele CA201607518.

ClinVar aggregate classification (germline): Likely benign. Review status: criteria provided, multiple submitters, no conflicts (2 of 4 stars). 2 submissions from 2 submitters: Likely benign (2). Last evaluated 2024-10-18.

Conditions:
Adams-Oliver syndrome 5 (AOS5). Identifiers: Orphanet 974, MedGen C4014970, MONDO:0014459, OMIM 616028.

Submissions (2):

Labcorp Genetics (formerly Invitae), Labcorp
Classification: Likely benign for Adams-Oliver syndrome 5. Last evaluated: 2024-10-18. Review status: criteria provided, single submitter. Criteria: Invitae Variant Classification Sherloc (09022015). Collection method: clinical testing. Allele origin: germline.

GeneDx
Classification: Likely benign. Last evaluated: 2017-08-01. Review status: criteria provided, single submitter. Criteria: GeneDx Variant Classification (06012015). Collection method: clinical testing. Allele origin: germline. Affected: yes.
Comment: This variant is considered likely benign or benign based on one or more of the following criteria: it is a conservative change, it occurs at a poorly conserved position in the protein, it is predicted to be benign by multiple in silico algorithms, and/or has population frequency not consistent with disease.